The following is an entry in ClinVar:

NM_001003699.4(RREB1):c.2677del (p.Ala893fs)

Gene: RREB1 (ras responsive element binding protein 1; plus strand). Cytogenetic location: 6p24.3.
Variant type: Deletion.
Coding change: c.2677del on transcript NM_001003699.4 (MANE Select); coding-DNA position 2677, one base deleted (G; older notation c.2677delG).
Protein change: p.Ala893fs; shifts the reading frame from alanine 893.
Molecular consequence: frameshift variant.
Genome position (GRCh38, 1-based): chr6:7,230,776, G deleted. VCF-style (leftmost placement, unchanged base first): chr6-7230775-TG-T. GRCh37 (hg19) VCF-style: chr6-7231008-TG-T.
Other names: p.(Ala893Rfs*20); c.2677del, p.Ala893fs (NM_001003698.4, NM_001003700.2, NM_001168344.2); short protein forms A893fs.
Identifiers: ClinVar variation 2578519 (VCV002578519.2), dbSNP rs2533134194, ClinGen allele CA2740094221.

ClinVar aggregate classification (germline): Pathogenic (1 of 4 stars; one submission).

Conditions:
RREB1-associated Noonan-like syndrome.

Submission:

The Shared Resource Centre "Genome", Research Centre for Medical Genetics
Classification: Pathogenic for RREB1-associated Noonan-like syndrome. Last evaluated: 2023-09-07. Review status: criteria provided, single submitter. Criteria: ACMG Guidelines, 2015. Collection method: curation. Allele origin: de novo. Inheritance: Autosomal dominant inheritance. Affected: yes. Observed: 1 heterozygote.
Comment: De novo